The following is an entry in ClinVar:

ClinVar aggregate classification (germline): Benign. Review status: criteria provided, multiple submitters, no conflicts (2 of 4 stars). 2 submissions from 2 submitters: Benign (2). Last evaluated 2018-01-12.

Conditions:
Factor V and factor VIII, combined deficiency of, type 1. Also called: Combined factor V and VIII deficiency; FAMILIAL MULTIPLE COAGULATION FACTOR DEFICIENCY I; MULTIPLE COAGULATION FACTOR DEFICIENCY I; FMFD I. Identifiers: Orphanet 35909, MedGen C4551981, MONDO:0009206, OMIM 227300.

Allele frequency attached by ClinVar (database versions not stated): 1000 Genomes Project 30x 0.08339; 1000 Genomes Project 0.08027; gnomAD 0.09807 and 0.10136; TOPMed 0.10376.
gnomAD v4.1: 14,876 of 152,142 alleles (9.8%); highest among the groups gnomAD compares: African/African-American, 15%; 901 homozygotes.

Submissions (2):

Illumina Laboratory Services, Illumina
Classification: Benign for Factor V and factor VIII, combined deficiency of, type 1. Last evaluated: 2018-01-12. Review status: criteria provided, single submitter. Criteria: ICSL Variant Classification Criteria 13 December 2019. Collection method: clinical testing. Allele origin: germline.
Comment: This variant was observed in the ICSL laboratory as part of a predisposition screen in an ostensibly healthy population. It had not been previously curated by ICSL or reported in the Human Gene Mutation Database (HGMD: prior to June 1st, 2018), and was therefore a candidate for classification through an automated scoring system. Utilizing variant allele frequency, disease prevalence and penetrance estimates, and inheritance mode, an automated score was calculated to assess if this variant is too frequent to cause the disease. Based on the score and internal cut-off values, a variant classified as benign is not then subjected to further curation. The score for this variant resulted in a classification of benign for this disease.

Breakthrough Genomics
Classification: Benign. Review status: criteria provided, single submitter. Criteria: ACMG Guidelines, 2015. Collection method: not provided. Allele origin: germline. Inheritance: Autosomal recessive inheritance. Affected: yes.

NM_005570.4(LMAN1):c.*2387A>G

Gene: LMAN1 (lectin, mannose binding 1; minus strand). Cytogenetic location: 18q21.32.
Variant type: single nucleotide variant.
Coding change: c.*2387A>G on transcript NM_005570.4 (MANE Select); 2387 bases downstream of the stop codon, A replaced by G.
Molecular consequence: 3 prime UTR variant.
Genome position (GRCh38, 1-based): chr18:59,328,706, T>C on the plus strand (A>G on the coding strand, the complement: LMAN1 is on the minus strand). VCF-style: chr18-59328706-T-C. GRCh37 (hg19) VCF-style: chr18-56995938-T-C.
Identifiers: ClinVar variation 327545 (VCV000327545.6), dbSNP rs34679996, ClinGen allele CA10647983.